The following is an entry in ClinVar:

NM_001365443.2(PTTG1IP2):c.57T>C (p.Phe19=)

Gene: PTTG1IP2 (PTTG1IP family member 2; plus strand). Cytogenetic location: 7q21.13.
Variant type: single nucleotide variant.
Coding change: c.57T>C on transcript NM_001365443.2 (MANE Select); coding-DNA position 57, T replaced by C.
Protein change: p.Phe19=; no amino-acid change (phenylalanine 19 retained).
Molecular consequence: synonymous variant.
Genome position (GRCh38, 1-based): chr7:90,469,843, T>C. VCF-style: chr7-90469843-T-C. GRCh37 (hg19) VCF-style: chr7-90099157-T-C.
Identifiers: ClinVar variation 2657665 (VCV002657665.24), dbSNP rs1797660735, ClinGen allele CA456431550.

ClinVar aggregate classification (germline): Likely benign (1 of 4 stars; one submission).

Submission:

CeGaT Center for Human Genetics Tuebingen
Classification: Likely benign. Last evaluated: 2022-10-01. Review status: criteria provided, single submitter. Criteria: CeGaT Center For Human Genetics Tuebingen Variant Classification Criteria Version 2. Collection method: clinical testing. Allele origin: germline. Affected: yes. Observed: 1 variant allele.
Comment: PTTG1IP2: PM2:Supporting, BP4, BP7